The following is an entry in ClinVar:

ClinVar aggregate classification (germline): Uncertain significance (1 of 4 stars; one submission).

Allele frequency attached by ClinVar (database versions not stated): gnomAD exomes below 0.00001.

Submission:

CeGaT Center for Human Genetics Tuebingen
Classification: Uncertain significance. Last evaluated: 2024-04-01. Review status: criteria provided, single submitter. Criteria: CeGaT Center For Human Genetics Tuebingen Variant Classification Criteria Version 2. Collection method: clinical testing. Allele origin: germline. Affected: yes. Observed: 1 variant allele.
Comment: DNMT1: PM2, BP4

NM_001130823.3(DNMT1):c.1000G>A (p.Asp334Asn)

Gene: DNMT1 (DNA methyltransferase 1; minus strand). Cytogenetic location: 19p13.2.
Variant type: single nucleotide variant.
Coding change: c.1000G>A on transcript NM_001130823.3 (MANE Select); coding-DNA position 1000, G replaced by A.
Protein change: p.Asp334Asn; replaces aspartic acid 334 with asparagine.
Molecular consequence: missense variant.
Genome position (GRCh38, 1-based): chr19:10,162,675, C>T on the plus strand (G>A on the coding strand, the complement: DNMT1 is on the minus strand). VCF-style: chr19-10162675-C-T. GRCh37 (hg19) VCF-style: chr19-10273351-C-T.
Other names: c.952G>A, p.Asp318Asn (NM_001318730.2, NM_001379.4); c.637G>A, p.Asp213Asn (NM_001318731.2); short protein forms D213N, D318N, D334N.
Identifiers: ClinVar variation 3234827 (VCV003234827.20), dbSNP rs2038596713, ClinGen allele CA403940601.